The following is an entry in ClinVar:

ClinVar aggregate classification (germline): Uncertain significance (1 of 4 stars; one submission).

gnomAD v4.1: 14 of 1,614,102 alleles (0.00087%); highest among the groups gnomAD compares: African/African-American, 0.0013%; no homozygotes.

Submission:

CeGaT Center for Human Genetics Tuebingen
Classification: Uncertain significance. Last evaluated: 2026-08-01. Review status: criteria provided, single submitter. Criteria: CeGaT Center For Human Genetics Tuebingen Variant Classification Criteria Version 2. Collection method: clinical testing. Allele origin: germline. Affected: yes. Observed: 1 variant allele.
Comment: ZFHX3: PM2, PP3

NM_006885.4(ZFHX3):c.695G>A (p.Arg232His)

Gene: ZFHX3 (zinc finger homeobox 3; minus strand). Cytogenetic location: 16q22.3.
Variant type: single nucleotide variant.
Coding change: c.695G>A on transcript NM_006885.4 (MANE Select); coding-DNA position 695, G replaced by A.
Protein change: p.Arg232His; replaces arginine 232 with histidine.
Molecular consequence: missense variant. On other transcripts: intron variant (1).
Genome position (GRCh38, 1-based): chr16:72,959,451, C>T on the plus strand (G>A on the coding strand, the complement: ZFHX3 is on the minus strand). VCF-style: chr16-72959451-C-T. GRCh37 (hg19) VCF-style: chr16-72993350-C-T.
Other names: c.695G>A, p.Arg232His (NM_001386735.1); c.-23-8486G>A (NM_001164766.2); short protein forms R232H.
Identifiers: ClinVar variation 5039710 (VCV005039710.1).